The following is an entry in ClinVar:

ClinVar aggregate classification (germline): Pathogenic. Review status: reviewed by expert panel (3 of 4 stars). 3 submissions from 3 submitters: Pathogenic (1). 2 of the submissions do not count toward it. Last evaluated 2016-09-08.

Conditions:
Breast-ovarian cancer, familial, susceptibility to, 1 (BROVCA1). Also called: OVARIAN CANCER, SUSCEPTIBILITY TO; BRCA1 Hereditary Breast and Ovarian Cancer. Identifiers: Orphanet 145, MedGen C2676676, MONDO:0011450, OMIM 604370. Disease mechanism: loss of function.

Submissions (3):

Evidence-based Network for the Interpretation of Germline Mutant Alleles (ENIGMA)
Classification: Pathogenic for Breast-ovarian cancer, familial, susceptibility to, 1. Last evaluated: 2016-09-08. Review status: reviewed by expert panel. Criteria: ENIGMA BRCA1/2 Classification Criteria (2015). Collection method: curation. Allele origin: germline.
Comment: Variant allele predicted to encode a truncated non-functional protein.

Consortium of Investigators of Modifiers of BRCA1/2 (CIMBA), c/o University of Cambridge
Classification: Pathogenic for Breast-ovarian cancer, familial, susceptibility to, 1. Last evaluated: 2015-10-02. Review status: criteria provided, single submitter. Criteria: CIMBA Mutation Classification guidelines May 2016. Collection method: clinical testing. Allele origin: germline. Not counted in ClinVar's aggregate classification.

Breast Cancer Information Core (BIC) (BRCA1)
Classification: Pathogenic for Breast-ovarian cancer, familial 1. Last evaluated: 1998-03-24. Review status: no assertion criteria provided. Collection method: clinical testing. Allele origin: germline. Affected: yes. Observed: 1 variant allele. Not counted in ClinVar's aggregate classification.

NM_007294.4(BRCA1):c.1008dup (p.Glu337fs)

Gene: BRCA1 (BRCA1 DNA repair associated; minus strand). Cytogenetic location: 17q21.31.
Variant type: Duplication.
Coding change: c.1008dup on transcript NM_007294.4 (MANE Select); coding-DNA position 1008, one base duplicated (A; older notation c.1008dupA).
Protein change: p.Glu337fs; shifts the reading frame from glutamic acid 337.
Molecular consequence: frameshift variant. On other transcripts: intron variant (137).
Genome position (GRCh38, 1-based): chr17:43,094,523, T duplicated on the plus strand (A on the coding strand, the reverse complement: BRCA1 is on the minus strand). VCF-style (leftmost placement, unchanged base first): chr17-43094522-C-CT. GRCh37 (hg19) VCF-style: chr17-41246539-C-CT.
Other names: 1127insA; c.1008dupA (NM_007294.3); c.1005dup, p.Glu336fs (NM_001407591.1, NM_001407610.1, NM_001407611.1 and 22 more transcripts); c.1008dup, p.Glu337fs (NM_001407593.1, NM_001407594.1, NM_001407596.1 and 30 more transcripts); c.999dup, p.Glu334fs (NM_001407646.1, NM_001407647.1); c.885dup, p.Glu296fs (NM_001407648.1, NM_001407664.1, NM_001407665.1 and 19 more transcripts); c.882dup, p.Glu295fs (NM_001407649.1, NM_001407670.1, NM_001407671.1 and 11 more transcripts); c.930dup, p.Glu311fs (NM_001407653.1, NM_001407654.1, NM_001407655.1 and 4 more transcripts); and 42 more; short protein forms E337fs, E290fs, E226fs, E266fs, E267fs, E269fs, E336fs, E169fs.
Identifiers: ClinVar variation 54100 (VCV000054100.5), dbSNP rs67284603, ClinGen allele CA000680.